The following is an entry in ClinVar:

NM_002139.4(RBMX):c.37G>C (p.Gly13Arg)

Gene: RBMX (RNA binding motif protein X-linked; minus strand). Cytogenetic location: Xq26.3.
Variant type: single nucleotide variant.
Coding change: c.37G>C on transcript NM_002139.4 (MANE Select); coding-DNA position 37, G replaced by C.
Protein change: p.Gly13Arg; replaces glycine 13 with arginine.
Molecular consequence: missense variant. On other transcripts: non-coding transcript variant (2).
Genome position (GRCh38, 1-based): chrX:136,879,391, C>G on the plus strand (G>C on the coding strand, the complement: RBMX is on the minus strand). VCF-style: chrX-136879391-C-G. GRCh37 (hg19) VCF-style: chrX-135961550-C-G.
Other names: c.37G>C, p.Gly13Arg (NM_001164803.2); short protein forms G13R.
Identifiers: ClinVar variation 4813203 (VCV004813203.1).

ClinVar aggregate classification (germline): Likely pathogenic (1 of 4 stars; one submission).

Conditions:
RBMX-related disorder. Also called: RBMX-related condition.

Submission:

Institute for Human Genetics, University Hospital Essen
Classification: Likely pathogenic for RBMX related disorder. Last evaluated: 2026-02-26. Review status: criteria provided, single submitter. Criteria: ACMG Guidelines, 2015. Collection method: clinical testing. Allele origin: de novo. Inheritance: X-linked inheritance. Affected: yes. Observed: 1 variant allele, 1 hemizygote.
Comment: PS2, PS3_mod, PM2_mod